The following is an entry in ClinVar:

ClinVar aggregate classification (germline): Uncertain significance. Review status: criteria provided, multiple submitters, no conflicts (2 of 4 stars). 2 submissions from 2 submitters: Uncertain significance (2). Last evaluated 2025-04-13.

Conditions:
Inborn genetic diseases. Identifiers: MedGen C0950123, MeSH D030342.

Allele frequency attached by ClinVar (database versions not stated): TOPMed below 0.00001; gnomAD 0.00004; ExAC 0.00003; gnomAD exomes 0.00002.
gnomAD v4.1: 36 of 1,613,632 alleles (0.0022%); highest among the groups gnomAD compares: Non-Finnish European, 0.0014%; no homozygotes.

Submissions (2):

Ambry Genetics
Classification: Uncertain significance for Inborn genetic diseases. Last evaluated: 2025-04-13. Review status: criteria provided, single submitter. Criteria: Ambry Variant Classification Scheme 2023. Collection method: clinical testing. Allele origin: germline.

Labcorp Genetics (formerly Invitae), Labcorp
Classification: Uncertain significance. Last evaluated: 2021-12-25. Review status: criteria provided, single submitter. Criteria: Invitae Variant Classification Sherloc (09022015). Collection method: clinical testing. Allele origin: germline.
Comment: This sequence change replaces phenylalanine, which is neutral and non-polar, with valine, which is neutral and non-polar, at codon 199 of the TSPEAR protein (p.Phe199Val). This variant is present in population databases (rs782447044, gnomAD 0.03%). This variant has not been reported in the literature in individuals affected with TSPEAR-related conditions. Algorithms developed to predict the effect of missense changes on protein structure and function are either unavailable or do not agree on the potential impact of this missense change (SIFT: "Deleterious"; PolyPhen-2: "Possibly Damaging"; Align-GVGD: "Class C0"). In summary, the available evidence is currently insufficient to determine the role of this variant in disease. Therefore, it has been classified as a Variant of Uncertain Significance.

NM_144991.3(TSPEAR):c.595T>G (p.Phe199Val)

Gene: TSPEAR (thrombospondin type laminin G domain and EAR repeats; minus strand). Cytogenetic location: 21q22.3.
Variant type: single nucleotide variant.
Coding change: c.595T>G on transcript NM_144991.3 (MANE Select); coding-DNA position 595, T replaced by G.
Protein change: p.Phe199Val; replaces phenylalanine 199 with valine.
Molecular consequence: missense variant.
Genome position (GRCh38, 1-based): chr21:44,531,081, A>C on the plus strand (T>G on the coding strand, the complement: TSPEAR is on the minus strand). VCF-style: chr21-44531081-A-C. GRCh37 (hg19) VCF-style: chr21-45950964-A-C.
Other names: c.391T>G, p.Phe131Val (NM_001272037.2); c.595T>G (NM_144991.2); short protein forms F131V, F199V.
Identifiers: ClinVar variation 1982874 (VCV001982874.4), dbSNP rs782447044, ClinGen allele CA10056943.